The following is an entry in ClinVar:

NM_001271938.2(MEGF8):c.599G>A (p.Arg200His)

Gene: MEGF8 (multiple EGF like domains 8; plus strand). Cytogenetic location: 19q13.2.
Variant type: single nucleotide variant.
Coding change: c.599G>A on transcript NM_001271938.2 (MANE Select); coding-DNA position 599, G replaced by A.
Protein change: p.Arg200His; replaces arginine 200 with histidine.
Molecular consequence: missense variant.
Genome position (GRCh38, 1-based): chr19:42,335,075, G>A. VCF-style: chr19-42335075-G-A. GRCh37 (hg19) VCF-style: chr19-42839227-G-A.
Other names: c.599G>A, p.Arg200His (NM_001410.3); short protein forms R200H.
Identifiers: ClinVar variation 1343547 (VCV001343547.7), dbSNP rs201881006, ClinGen allele CA9474224.

ClinVar aggregate classification (germline): Uncertain significance. Review status: criteria provided, multiple submitters, no conflicts (2 of 4 stars). 3 submissions from 3 submitters: Uncertain significance (3). Last evaluated 2024-04-29.

Conditions:
MEGF8-related Carpenter syndrome. Also called: Carpenter syndrome 2. Identifiers: Orphanet 65759, MedGen C3554247, MONDO:0013998, OMIM 614976.

Allele frequency attached by ClinVar (database versions not stated): ESP Exome Variant Server 0.00024; 1000 Genomes Project 30x 0.00047; 1000 Genomes Project 0.00060.
gnomAD v4.1: 178 of 1,613,720 alleles (0.011%); highest among the groups gnomAD compares: African/African-American, 0.16%; no homozygotes.

Submissions (3):

GeneDx
Classification: Uncertain significance. Last evaluated: 2024-04-29. Review status: criteria provided, single submitter. Criteria: GeneDx Variant Classification Process June 2021. Collection method: clinical testing. Allele origin: germline. Affected: yes.
Comment: In silico analysis supports that this missense variant has a deleterious effect on protein structure/function; Has not been previously published as pathogenic or benign to our knowledge

Women's Health and Genetics/Laboratory Corporation of America, LabCorp
Classification: Uncertain significance. Last evaluated: 2022-02-18. Review status: criteria provided, single submitter. Criteria: LabCorp Variant Classification Summary - May 2015. Collection method: clinical testing. Allele origin: germline.

Labcorp Genetics (formerly Invitae), Labcorp
Classification: Uncertain significance for MEGF8-related Carpenter syndrome. Last evaluated: 2021-09-02. Review status: criteria provided, single submitter. Criteria: Invitae Variant Classification Sherloc (09022015). Collection method: clinical testing. Allele origin: germline.
Comment: This sequence change replaces arginine with histidine at codon 200 of the MEGF8 protein (p.Arg200His). The arginine residue is weakly conserved and there is a small physicochemical difference between arginine and histidine. This variant is present in population databases (rs201881006, ExAC 0.2%). This variant has not been reported in the literature in individuals affected with MEGF8-related conditions. Algorithms developed to predict the effect of missense changes on protein structure and function output the following: SIFT: "Deleterious"; PolyPhen-2: "Benign"; Align-GVGD: "Class C0". The histidine amino acid residue is found in multiple mammalian species, which suggests that this missense change does not adversely affect protein function. In summary, the available evidence is currently insufficient to determine the role of this variant in disease. Therefore, it has been classified as a Variant of Uncertain Significance.